The following is an entry in ClinVar:

NM_007055.4(POLR3A):c.52A>G (p.Ile18Val)

Gene: POLR3A (RNA polymerase III subunit A; minus strand). Cytogenetic location: 10q22.3.
Variant type: single nucleotide variant.
Coding change: c.52A>G on transcript NM_007055.4 (MANE Select); coding-DNA position 52, A replaced by G.
Protein change: p.Ile18Val; replaces isoleucine 18 with valine.
Molecular consequence: missense variant.
Genome position (GRCh38, 1-based): chr10:78,026,222, T>C on the plus strand (A>G on the coding strand, the complement: POLR3A is on the minus strand). VCF-style: chr10-78026222-T-C. GRCh37 (hg19) VCF-style: chr10-79785980-T-C.
Other names: short protein forms I18V.
Identifiers: ClinVar variation 1501146 (VCV001501146.8), dbSNP rs1344635319, ClinGen allele CA377347725.

ClinVar aggregate classification (germline): Uncertain significance (1 of 4 stars; one submission).

Allele frequency attached by ClinVar (database versions not stated): gnomAD exomes below 0.00001 and 0.00001; TOPMed below 0.00001; gnomAD 0.00001.
gnomAD v4.1: 21 of 1,614,100 alleles (0.0013%); highest among the groups gnomAD compares: Non-Finnish European, 0.0017%; no homozygotes.

Submission:

Labcorp Genetics (formerly Invitae), Labcorp
Classification: Uncertain significance. Last evaluated: 2024-02-06. Review status: criteria provided, single submitter. Criteria: Invitae Variant Classification Sherloc (09022015). Collection method: clinical testing. Allele origin: germline.
Comment: This sequence change replaces isoleucine, which is neutral and non-polar, with valine, which is neutral and non-polar, at codon 18 of the POLR3A protein (p.Ile18Val). This variant is present in population databases (no rsID available, gnomAD 0.003%). This variant has not been reported in the literature in individuals affected with POLR3A-related conditions. ClinVar contains an entry for this variant (Variation ID: 1501146). Advanced modeling of protein sequence and biophysical properties (such as structural, functional, and spatial information, amino acid conservation, physicochemical variation, residue mobility, and thermodynamic stability) performed at Invitae indicates that this missense variant is not expected to disrupt POLR3A protein function with a negative predictive value of 80%. In summary, the available evidence is currently insufficient to determine the role of this variant in disease. Therefore, it has been classified as a Variant of Uncertain Significance.